The following is an entry in ClinVar:

NM_004415.4(DSP):c.599C>T (p.Ala200Val)

Gene: DSP (desmoplakin; plus strand). Cytogenetic location: 6p24.3.
Variant type: single nucleotide variant.
Coding change: c.599C>T on transcript NM_004415.4 (MANE Select); coding-DNA position 599, C replaced by T.
Protein change: p.Ala200Val; replaces alanine 200 with valine.
Molecular consequence: missense variant.
Genome position (GRCh38, 1-based): chr6:7,562,653, C>T. VCF-style: chr6-7562653-C-T. GRCh37 (hg19) VCF-style: chr6-7562886-C-T.
Other names: c.599C>T, p.Ala200Val (NM_001008844.3, NM_001319034.2); short protein forms A200V.
Identifiers: ClinVar variation 839317 (VCV000839317.17), dbSNP rs1337095425, ClinGen allele CA362673102.

ClinVar aggregate classification (germline): Uncertain significance. Review status: criteria provided, multiple submitters, no conflicts (2 of 4 stars). 4 submissions from 4 submitters: Uncertain significance (4). Last evaluated 2024-10-16.

Conditions:
Arrhythmogenic right ventricular dysplasia 8 (ARVD8). Also called: Arrhythmogenic Right Ventricular Dysplasia/Cardiomyopathy 8; ARRHYTHMOGENIC RIGHT VENTRICULAR DYSPLASIA, FAMILIAL, 8; ARRHYTHMOGENIC RIGHT VENTRICULAR CARDIOMYOPATHY 8. Identifiers: MedGen C1843896, MONDO:0011831, OMIM 607450.
Arrhythmogenic cardiomyopathy with wooly hair and keratoderma. Also called: Arrhythmogenic cardiomyopathy with woolly hair and keratoderma; PALMOPLANTAR KERATODERMA WITH LEFT VENTRICULAR CARDIOMYOPATHY AND WOOLLY HAIR; Carvajal syndrome; Dilated cardiomyopathy with woolly hair and keratoderma. Identifiers: Orphanet 65282, MedGen C1854063, MONDO:0011581, OMIM 605676.
Cardiomyopathy (CMYO). Also called: Cardiomyopathies. Identifiers: Orphanet 167848, MedGen C0878544, MONDO:0004994, HP:0001638. Inheritance: Various modes of inheritance.
Cardiovascular phenotype. Identifiers: MedGen CN230736.

Allele frequency attached by ClinVar (database versions not stated): gnomAD exomes below 0.00001; gnomAD 0.00001; TOPMed 0.00001.
gnomAD v4.1: 16 of 1,613,948 alleles (0.00099%); highest among the groups gnomAD compares: Admixed American, 0.0017%; no homozygotes.

Submissions (4):

Labcorp Genetics (formerly Invitae), Labcorp
Classification: Uncertain significance for Arrhythmogenic cardiomyopathy with wooly hair and keratoderma; Arrhythmogenic right ventricular dysplasia 8. Last evaluated: 2024-10-16. Review status: criteria provided, single submitter. Criteria: Invitae Variant Classification Sherloc (09022015). Collection method: clinical testing. Allele origin: germline.
Comment: This sequence change replaces alanine, which is neutral and non-polar, with valine, which is neutral and non-polar, at codon 200 of the DSP protein (p.Ala200Val). The frequency data for this variant in the population databases is considered unreliable, as metrics indicate poor data quality at this position in the gnomAD database. This variant has not been reported in the literature in individuals affected with DSP-related conditions. ClinVar contains an entry for this variant (Variation ID: 839317). An algorithm developed to predict the effect of missense changes on protein structure and function (PolyPhen-2) suggests that this variant is likely to be tolerated. In summary, the available evidence is currently insufficient to determine the role of this variant in disease. Therefore, it has been classified as a Variant of Uncertain Significance.

All of Us Research Program, National Institutes of Health
Classification: Uncertain significance for Arrhythmogenic cardiomyopathy with wooly hair and keratoderma. Last evaluated: 2024-07-20. Review status: criteria provided, single submitter. Criteria: ACMG Guidelines, 2015. Collection method: clinical testing. Allele origin: germline. Inheritance: Autosomal dominant inheritance. Observed: 2 variant alleles, 2 heterozygotes.
Comment: This missense variant replaces alanine with valine at codon 200 of the DSP protein. Computational prediction suggests that this variant may not impact protein structure and function. To our knowledge, functional studies have not been reported for this variant. This variant has not been reported in individuals affected with DSP-related disorders in the literature. This variant has been reported in an individual with unknown phenotype in a cohort of participants undergoing whole exome sequencing (PMID: 30122538). This variant has been identified in 1/251282 chromosomes in the general population by the Genome Aggregation Database (gnomAD). The available evidence is insufficient to determine the role of this variant in disease conclusively. Therefore, this variant is classified as a Variant of Uncertain Significance.

This study involves interpretation of variants in research participants for the purpose of population health screening. Participant phenotype was not available at the time of variant classification. Additional details can be found in publication PMID: 35346344, PMCID: PMC8962531

Color Diagnostics, LLC DBA Color Health
Classification: Uncertain significance for Cardiomyopathy. Last evaluated: 2024-04-16. Review status: criteria provided, single submitter. Criteria: ACMG Guidelines, 2015. Collection method: clinical testing. Allele origin: germline.
Comment: This missense variant replaces alanine with valine at codon 200 of the DSP protein. Computational prediction suggests that this variant may not impact protein structure and function. To our knowledge, functional studies have not been reported for this variant. This variant has not been reported in individuals affected with DSP-related disorders in the literature. This variant has been reported in an individual with unknown phenotype in a cohort of participants undergoing whole exome sequencing (PMID: 30122538). This variant has been identified in 1/251282 chromosomes in the general population by the Genome Aggregation Database (gnomAD). The available evidence is insufficient to determine the role of this variant in disease conclusively. Therefore, this variant is classified as a Variant of Uncertain Significance.

Ambry Genetics
Classification: Uncertain significance for Cardiovascular phenotype. Last evaluated: 2023-08-31. Review status: criteria provided, single submitter. Criteria: Ambry Variant Classification Scheme 2023. Collection method: clinical testing. Allele origin: germline.
Comment: The p.A200V variant (also known as c.599C>T), located in coding exon 5 of the DSP gene, results from a C to T substitution at nucleotide position 599. The alanine at codon 200 is replaced by valine, an amino acid with similar properties. This amino acid position is not well conserved in available vertebrate species. In addition, this alteration is predicted to be tolerated by in silico analysis. Since supporting evidence is limited at this time, the clinical significance of this alteration remains unclear.

Literature cited by the submitters: PubMed 30122538 (cited by All of Us Research Program, National Institutes of Health and Color Diagnostics, LLC DBA Color Health).